The following is an entry in ClinVar:

ClinVar aggregate classification (germline): Uncertain significance. Review status: criteria provided, multiple submitters, no conflicts (2 of 4 stars). 2 submissions from 2 submitters: Uncertain significance (2). Last evaluated 2025-04-25.

Allele frequency attached by ClinVar (database versions not stated): ExAC 0.00001; gnomAD 0.00001; gnomAD exomes 0.00001; TOPMed 0.00001.
gnomAD v4.1: 6 of 1,614,108 alleles (0.00037%); highest among the groups gnomAD compares: Non-Finnish European, 0.00051%; no homozygotes.

Submissions (2):

Ambry Genetics
Classification: Uncertain significance. Last evaluated: 2025-04-25. Review status: criteria provided, single submitter. Criteria: Ambry Variant Classification Scheme 2023. Collection method: clinical testing. Allele origin: germline.

Labcorp Genetics (formerly Invitae), Labcorp
Classification: Uncertain significance. Last evaluated: 2022-09-18. Review status: criteria provided, single submitter. Criteria: Invitae Variant Classification Sherloc (09022015). Collection method: clinical testing. Allele origin: germline.
Comment: In summary, the available evidence is currently insufficient to determine the role of this variant in disease. Therefore, it has been classified as a Variant of Uncertain Significance. Algorithms developed to predict the effect of missense changes on protein structure and function are either unavailable or do not agree on the potential impact of this missense change (SIFT: "Not Available"; PolyPhen-2: "Probably Damaging"; Align-GVGD: "Not Available"). This variant has not been reported in the literature in individuals affected with PNLIP-related conditions. This variant is present in population databases (rs776620804, gnomAD 0.0009%). This sequence change replaces leucine, which is neutral and non-polar, with tryptophan, which is neutral and slightly polar, at codon 230 of the PNLIP protein (p.Leu230Trp).

NM_000936.4(PNLIP):c.689T>G (p.Leu230Trp)

Gene: PNLIP (pancreatic lipase; plus strand). Cytogenetic location: 10q25.3.
Variant type: single nucleotide variant.
Coding change: c.689T>G on transcript NM_000936.4 (MANE Select); coding-DNA position 689, T replaced by G.
Protein change: p.Leu230Trp; replaces leucine 230 with tryptophan.
Molecular consequence: missense variant.
Genome position (GRCh38, 1-based): chr10:116,555,295, T>G. VCF-style: chr10-116555295-T-G. GRCh37 (hg19) VCF-style: chr10-118314807-T-G.
Other names: c.689T>G (NM_000936.2); short protein forms L230W.
Identifiers: ClinVar variation 1976747 (VCV001976747.4), dbSNP rs776620804, ClinGen allele CA5706560.